The following is an entry in ClinVar:

NM_005228.5(EGFR):c.3548C>G (p.Pro1183Arg)

Gene: EGFR (epidermal growth factor receptor; plus strand). Cytogenetic location: 7p11.2.
Variant type: single nucleotide variant.
Coding change: c.3548C>G on transcript NM_005228.5 (MANE Select); coding-DNA position 3548, C replaced by G.
Protein change: p.Pro1183Arg; replaces proline 1183 with arginine.
Molecular consequence: missense variant.
Genome position (GRCh38, 1-based): chr7:55,205,532, C>G. VCF-style: chr7-55205532-C-G. GRCh37 (hg19) VCF-style: chr7-55273225-C-G.
Other names: c.3413C>G, p.Pro1138Arg (NM_001346899.2); c.3389C>G, p.Pro1130Arg (NM_001346900.2); c.2747C>G, p.Pro916Arg (NM_001346941.2); short protein forms P1138R, P1130R, P1183R, P916R.
Identifiers: ClinVar variation 2012919 (VCV002012919.4), dbSNP rs2534897028, ClinGen allele CA367584871.

ClinVar aggregate classification (germline): Uncertain significance. Review status: criteria provided, multiple submitters, no conflicts (2 of 4 stars). 2 submissions from 2 submitters: Uncertain significance (2). Last evaluated 2025-08-12.

Conditions:
EGFR-related lung cancer (EGFR). Identifiers: MedGen CN130014.
Hereditary cancer-predisposing syndrome. Also called: Tumor predisposition; Neoplastic Syndromes, Hereditary; Hereditary Cancer Syndrome; Hereditary neoplastic syndrome. Identifiers: Orphanet 140162, MedGen C0027672, MeSH D009386, MONDO:0015356.

Submissions (2):

Ambry Genetics
Classification: Uncertain significance for Hereditary cancer-predisposing syndrome. Last evaluated: 2025-08-12. Review status: criteria provided, single submitter. Criteria: Ambry Variant Classification Scheme 2023. Collection method: clinical testing. Allele origin: germline.
Comment: The p.P1183R variant (also known as c.3548C>G), located in coding exon 28 of the EGFR gene, results from a C to G substitution at nucleotide position 3548. The proline at codon 1183 is replaced by arginine, an amino acid with dissimilar properties. This amino acid position is conserved. In addition, this alteration is predicted to be tolerated by in silico analysis. Based on the available evidence, the clinical significance of this variant remains unclear.

Labcorp Genetics (formerly Invitae), Labcorp
Classification: Uncertain significance for EGFR-related lung cancer. Last evaluated: 2023-11-13. Review status: criteria provided, single submitter. Criteria: Invitae Variant Classification Sherloc (09022015). Collection method: clinical testing. Allele origin: germline.
Comment: This sequence change replaces proline, which is neutral and non-polar, with arginine, which is basic and polar, at codon 1183 of the EGFR protein (p.Pro1183Arg). This variant is not present in population databases (gnomAD no frequency). This variant has not been reported in the literature in individuals affected with EGFR-related conditions. ClinVar contains an entry for this variant (Variation ID: 2012919). An algorithm developed to predict the effect of missense changes on protein structure and function (PolyPhen-2) suggests that this variant¬†is likely to be tolerated. In summary, the available evidence is currently insufficient to determine the role of this variant in disease. Therefore, it has been classified as a Variant of Uncertain Significance.